The following is an entry in ClinVar:

ClinVar aggregate classification (germline): Uncertain significance (1 of 4 stars; one submission).

Allele frequency attached by ClinVar (database versions not stated): gnomAD exomes below 0.00001 and 0.00002; gnomAD 0.00001; TOPMed 0.00001.
gnomAD v4.1: 28 of 1,613,658 alleles (0.0017%); highest among the groups gnomAD compares: Non-Finnish European, 0.0021%; no homozygotes.

Submission:

Labcorp Genetics (formerly Invitae), Labcorp
Classification: Uncertain significance. Last evaluated: 2022-08-19. Review status: criteria provided, single submitter. Criteria: Invitae Variant Classification Sherloc (09022015). Collection method: clinical testing. Allele origin: germline.
Comment: In summary, the available evidence is currently insufficient to determine the role of this variant in disease. Therefore, it has been classified as a Variant of Uncertain Significance. Algorithms developed to predict the effect of missense changes on protein structure and function are either unavailable or do not agree on the potential impact of this missense change (SIFT: "Deleterious"; PolyPhen-2: "Not Available"; Align-GVGD: "Class C0"). ClinVar contains an entry for this variant (Variation ID: 1387881). This variant has not been reported in the literature in individuals affected with PCLO-related conditions. This variant is present in population databases (no rsID available, gnomAD 0.0009%). This sequence change replaces isoleucine, which is neutral and non-polar, with asparagine, which is neutral and polar, at codon 1419 of the PCLO protein (p.Ile1419Asn).

NM_033026.6(PCLO):c.4256T>A (p.Ile1419Asn)

Gene: PCLO (piccolo presynaptic cytomatrix protein; minus strand). Cytogenetic location: 7q21.11.
Variant type: single nucleotide variant.
Coding change: c.4256T>A on transcript NM_033026.6 (MANE Select); coding-DNA position 4256, T replaced by A.
Protein change: p.Ile1419Asn; replaces isoleucine 1419 with asparagine.
Molecular consequence: missense variant.
Genome position (GRCh38, 1-based): chr7:82,956,697, A>T on the plus strand (T>A on the coding strand, the complement: PCLO is on the minus strand). VCF-style: chr7-82956697-A-T. GRCh37 (hg19) VCF-style: chr7-82586013-A-T.
Other names: c.4256T>A, p.Ile1419Asn (NM_014510.3); short protein forms I1419N.
Identifiers: ClinVar variation 1387881 (VCV001387881.8), dbSNP rs1400403329, ClinGen allele CA367928155.
Genomic context (GRCh38, chr7:82,956,697, plus strand): 5'-TGGGGTTGTGTTTTCTTTTCTGACTTTTCATCAGCAAGTGTACTTGCTTGAGCTTCCAAA[A>T]TAGATAGGACTGTACTTTCTAACTTAGCCAAATCTGAGGGGCTGGAAGGGCTGCTTTCTT-3'
Protein context (NP_149015.2, residues 1409-1429): LAKLESTVLS[Ile1419Asn]LEAQASTLAD